The following is an entry in ClinVar:

ClinVar aggregate classification (germline): Uncertain significance (1 of 4 stars; one submission).

Conditions:
Giant axonal neuropathy 1 (GAN1). Also called: GIANT AXONAL NEUROPATHY 1, AUTOSOMAL RECESSIVE; GAN-Related Neurodegeneration. Identifiers: Orphanet 643, MedGen C1850386, MONDO:0009749, OMIM 256850.

gnomAD v4.1: 1 of 1,609,542 alleles (0.000062%); highest among the groups gnomAD compares: Non-Finnish European, 0.000085%; no homozygotes.

Submission:

Labcorp Genetics (formerly Invitae), Labcorp
Classification: Uncertain significance for Giant axonal neuropathy 1. Last evaluated: 2021-08-10. Review status: criteria provided, single submitter. Criteria: Invitae Variant Classification Sherloc (09022015). Collection method: clinical testing. Allele origin: germline.
Comment: Algorithms developed to predict the effect of sequence changes on RNA splicing suggest that this variant may create or strengthen a splice site. In summary, the available evidence is currently insufficient to determine the role of this variant in disease. Therefore, it has been classified as a Variant of Uncertain Significance. Algorithms developed to predict the effect of missense changes on protein structure and function (SIFT, PolyPhen-2, Align-GVGD) all suggest that this variant is likely to be tolerated. This variant has not been reported in the literature in individuals affected with GAN-related conditions. This variant is not present in population databases (ExAC no frequency). This sequence change replaces lysine with arginine at codon 346 of the GAN protein (p.Lys346Arg). The lysine residue is moderately conserved and there is a small physicochemical difference between lysine and arginine.

NM_022041.4(GAN):c.1037A>G (p.Lys346Arg)

Gene: GAN (gigaxonin; plus strand). Cytogenetic location: 16q23.2.
Variant type: single nucleotide variant.
Coding change: c.1037A>G on transcript NM_022041.4 (MANE Select); coding-DNA position 1037, A replaced by G.
Protein change: p.Lys346Arg; replaces lysine 346 with arginine.
Molecular consequence: missense variant.
Genome position (GRCh38, 1-based): chr16:81,362,562, A>G. VCF-style: chr16-81362562-A-G. GRCh37 (hg19) VCF-style: chr16-81396167-A-G.
Other names: c.398A>G, p.Lys133Arg (NM_001377486.1); short protein forms K133R, K346R.
Identifiers: ClinVar variation 1371807 (VCV001371807.6), dbSNP rs2150690226, ClinGen allele CA396875128.
Genomic context (GRCh38, chr16:81,362,562, plus strand): 5'-GATTTTTGTTTGTATTCGGGGGCCAAGATGAAAATAAGCAGACTCTTAGCTCAGGAGAAA[A>G]GTATGATCCAGATGCAAATACATGGACAGCATTGCCACCTATGAACGAGGTAAAACACTA-3'
Protein context (NP_071324.1, residues 336-356): ENKQTLSSGE[Lys346Arg]YDPDANTWTA